The following is an entry in ClinVar:

ClinVar aggregate classification (germline): Conflicting classifications of pathogenicity. Review status: criteria provided, conflicting classifications (1 of 4 stars). 4 submissions from 4 submitters: Uncertain significance (1); Likely benign (3). Last evaluated 2026-01-28.

Conditions:
TRIM63-related disorder. Also called: TRIM63-related condition.

gnomAD v4.1: 183 of 1,614,162 alleles (0.011%); highest among the groups gnomAD compares: African/African-American, 0.22%; 2 homozygotes.

Submissions (4):

PreventionGenetics, part of Exact Sciences
Classification: Likely benign for TRIM63-related condition. Last evaluated: 2026-01-28. Review status: criteria provided, single submitter. Criteria: ACMG Guidelines, 2015. Collection method: clinical testing. Allele origin: germline.
Comment: This variant is classified as likely benign based on ACMG/AMP sequence variant interpretation guidelines (Richards et al. 2015 PMID: 25741868, with internal and published modifications).

Mayo Clinic Laboratories, Mayo Clinic
Classification: Likely benign. Last evaluated: 2025-08-20. Review status: criteria provided, single submitter. Criteria: ACMG Guidelines, 2015. Collection method: clinical testing. Allele origin: germline. Observed: 1 variant allele.
Comment: BS1, BP4

Molecular Diagnostic Laboratory for Inherited Cardiovascular Disease, Montreal Heart Institute
Classification: Likely benign. Last evaluated: 2025-07-24. Review status: criteria provided, single submitter. Criteria: ACMG Guidelines, 2015. Collection method: clinical testing. Allele origin: germline. Affected: no.
Comment: BS1;BP4

Women's Health and Genetics/Laboratory Corporation of America, LabCorp
Classification: Uncertain significance. Last evaluated: 2024-11-15. Review status: criteria provided, single submitter. Criteria: LabCorp Variant Classification Summary - May 2015. Collection method: clinical testing. Allele origin: germline.

NM_032588.4(TRIM63):c.653C>T (p.Ala218Val)

Gene: TRIM63 (tripartite motif containing 63; minus strand). Cytogenetic location: 1p36.11.
Variant type: single nucleotide variant.
Coding change: c.653C>T on transcript NM_032588.4 (MANE Select); coding-DNA position 653, C replaced by T.
Protein change: p.Ala218Val; replaces alanine 218 with valine.
Molecular consequence: missense variant.
Genome position (GRCh38, 1-based): chr1:26,058,568, G>A on the plus strand (C>T on the coding strand, the complement: TRIM63 is on the minus strand). VCF-style: chr1-26058568-G-A. GRCh37 (hg19) VCF-style: chr1-26385059-G-A.
Other names: p.Ala218Val; short protein forms A218V.
Identifiers: ClinVar variation 3629610 (VCV003629610.4), dbSNP rs141049472.